The following is an entry in ClinVar:

ClinVar aggregate classification (germline): Likely benign. Review status: criteria provided, multiple submitters, no conflicts (2 of 4 stars). 2 submissions from 2 submitters: Likely benign (2). Last evaluated 2026-03-17.

Conditions:
GPHN-related disorder. Also called: GPHN-related condition.
Sulfite oxidase deficiency due to molybdenum cofactor deficiency type C. Also called: Molybdenum cofactor deficiency, complementation group C; Molybdenum cofactor deficiency C. Identifiers: Orphanet 308400, Orphanet 833, MedGen C1854990, MONDO:0014212, OMIM 615501.

Allele frequency attached by ClinVar (database versions not stated): ExAC 0.00002; gnomAD 0.00006; gnomAD exomes 0.00006 and 0.00009; TOPMed 0.00008.
gnomAD v4.1: 98 of 1,610,706 alleles (0.0061%); highest among the groups gnomAD compares: Admixed American, 0.015%; no homozygotes.

Submissions (2):

PreventionGenetics, part of Exact Sciences
Classification: Likely benign for GPHN-related condition. Last evaluated: 2026-03-17. Review status: criteria provided, single submitter. Criteria: ACMG Guidelines, 2015. Collection method: clinical testing. Allele origin: germline.
Comment: This variant is classified as likely benign based on ACMG/AMP sequence variant interpretation guidelines (Richards et al. 2015 PMID: 25741868, with internal and published modifications).

Labcorp Genetics (formerly Invitae), Labcorp
Classification: Likely benign for Sulfite oxidase deficiency due to molybdenum cofactor deficiency type C. Last evaluated: 2026-01-09. Review status: criteria provided, single submitter. Criteria: Invitae Variant Classification Sherloc (09022015). Collection method: clinical testing. Allele origin: germline.

NM_020806.5(GPHN):c.1944T>C (p.Asp648=)

Gene: GPHN (gephyrin; plus strand). Cytogenetic location: 14q23.3.
Variant type: single nucleotide variant.
Coding change: c.1944T>C on transcript NM_020806.5 (MANE Select); coding-DNA position 1944, T replaced by C.
Protein change: p.Asp648=; no amino-acid change (aspartic acid 648 retained).
Molecular consequence: synonymous variant.
Genome position (GRCh38, 1-based): chr14:67,165,195, T>C. VCF-style: chr14-67165195-T-C. GRCh37 (hg19) VCF-style: chr14-67631912-T-C.
Other names: c.1845T>C, p.Asp615= (NM_001024218.2); c.2004T>C, p.Asp668= (NM_001377514.1); c.1974T>C, p.Asp658= (NM_001377515.1); c.1965T>C, p.Asp655= (NM_001377516.1); c.1917T>C, p.Asp639= (NM_001377517.1); c.1902T>C, p.Asp634= (NM_001377518.1); c.1884T>C, p.Asp628= (NM_001377519.1).
Identifiers: ClinVar variation 721762 (VCV000721762.11), dbSNP rs761997982, ClinGen allele CA7234225.